The following is an entry in ClinVar:

ClinVar aggregate classification (germline): Uncertain significance. Review status: criteria provided, multiple submitters, no conflicts (2 of 4 stars). 2 submissions from 2 submitters: Uncertain significance (2). Last evaluated 2024-07-20.

Conditions:
Classic or attenuated familial adenomatous polyposis. Identifiers: MedGen CN372698, MONDO:0021057.
Hereditary cancer-predisposing syndrome. Also called: Neoplastic Syndromes, Hereditary; Tumor predisposition; Hereditary Cancer Syndrome; Hereditary neoplastic syndrome. Identifiers: Orphanet 140162, MedGen C0027672, MeSH D009386, MONDO:0015356.

Submissions (2):

All of Us Research Program, National Institutes of Health
Classification: Uncertain significance for Classic or attenuated familial adenomatous polyposis. Last evaluated: 2024-07-20. Review status: criteria provided, single submitter. Criteria: ACMG Guidelines, 2015. Collection method: clinical testing. Allele origin: germline. Inheritance: Autosomal dominant inheritance. Observed: 1 variant allele, 1 heterozygote.
Comment: This variant causes an in-frame deletion of one amino acid in exon 16 of the APC protein. To our knowledge, functional studies have not been reported for this variant. This variant has not been reported in individuals affected with APC-related disorders in the literature. This variant has not been identified in the general population by the Genome Aggregation Database (gnomAD). The available evidence is insufficient to determine the role of this variant in disease conclusively. Therefore, this variant is classified as a Variant of Uncertain Significance.

This study involves interpretation of variants in research participants for the purpose of population health screening. Participant phenotype was not available at the time of variant classification. Additional details can be found in publication PMID: 35346344, PMCID: PMC8962531

Ambry Genetics
Classification: Uncertain significance for Hereditary cancer-predisposing syndrome. Last evaluated: 2017-11-24. Review status: criteria provided, single submitter. Criteria: Ambry Variant Classification Scheme 2023. Collection method: clinical testing. Allele origin: germline.
Comment: The c.3479_3481delCAA variant (also known as p.T1160del) is located in coding exon 15 of the APC gene. This variant results from an in-frame CAA deletion at nucleotide positions 3479 to 3481. This results in the in-frame deletion of a threonine residue at codon 1160. This amino acid position is well conserved in available vertebrate species. Since supporting evidence is limited at this time, the clinical significance of this alteration remains unclear.

NM_000038.6(APC):c.3476CAA[1] (p.Thr1160del)

Gene: APC (APC regulator of Wnt signaling pathway; plus strand). Cytogenetic location: 5q22.2.
Variant type: Microsatellite.
Coding change: c.3476CAA[1] on transcript NM_000038.6 (MANE Select); one copy of the 3-base unit CAA starting at c.3476; the reference has two copies in a row; one copy, 3 bases deleted.
Protein change: p.Thr1160del; deletes threonine 1160.
Molecular consequence: inframe deletion. On other transcripts: inframe indel (20).
Genome position (GRCh38, 1-based): chr5:112,839,073-112,839,075, CAA deleted; deleting any 3 consecutive bases within chr5:112,839,070-112,839,075 gives the same sequence; the position shown is the placement nearest the transcript's 3' end. VCF-style (leftmost placement, unchanged base first): chr5-112839069-CCAA-C. GRCh37 (hg19) VCF-style: chr5-112174766-CCAA-C.
Other names: c.3476CAA[1], p.Thr1160del (NM_001127510.3, NM_001354895.2); c.3422CAA[1], p.Thr1142del (NM_001127511.3); c.3530CAA[1], p.Thr1178del (NM_001354896.2); c.3506CAA[1], p.Thr1170del (NM_001354897.2); c.3401CAA[1], p.Thr1135del (NM_001354898.2); c.3392CAA[1], p.Thr1132del (NM_001354899.2); c.3353CAA[1], p.Thr1119del (NM_001354900.2); c.3299CAA[1], p.Thr1101del (NM_001354901.2); and 16 more; short protein forms T1059del, T1069del, T1119del, T1132del, T1142del, T776del, T1034del, T1101del.
Identifiers: ClinVar variation 1731809 (VCV001731809.3), dbSNP rs2533501323, ClinGen allele CA2580612777.